The following is an entry in ClinVar:

NM_001903.5(CTNNA1):c.838T>A (p.Tyr280Asn)

Gene: CTNNA1 (catenin alpha 1; plus strand). Cytogenetic location: 5q31.2.
Variant type: single nucleotide variant.
Coding change: c.838T>A on transcript NM_001903.5 (MANE Select); coding-DNA position 838, T replaced by A.
Protein change: p.Tyr280Asn; replaces tyrosine 280 with asparagine.
Molecular consequence: missense variant.
Genome position (GRCh38, 1-based): chr5:138,824,779, T>A. VCF-style: chr5-138824779-T-A. GRCh37 (hg19) VCF-style: chr5-138160468-T-A.
Other names: c.838T>A, p.Tyr280Asn (NM_001290307.3, NM_001323982.2, NM_001323983.1 and 3 more transcripts); c.529T>A, p.Tyr177Asn (NM_001290309.3); c.469T>A, p.Tyr157Asn (NM_001290310.3); short protein forms Y157N, Y280N, Y177N.
Identifiers: ClinVar variation 3705418 (VCV003705418.2).

ClinVar aggregate classification (germline): Uncertain significance (1 of 4 stars; one submission).

Submission:

Labcorp Genetics (formerly Invitae), Labcorp
Classification: Uncertain significance. Last evaluated: 2025-01-23. Review status: criteria provided, single submitter. Criteria: Invitae Variant Classification Sherloc (09022015). Collection method: clinical testing. Allele origin: germline.
Comment: This sequence change replaces tyrosine, which is neutral and polar, with asparagine, which is neutral and polar, at codon 280 of the CTNNA1 protein (p.Tyr280Asn). This variant is not present in population databases (gnomAD no frequency). This variant has not been reported in the literature in individuals affected with CTNNA1-related conditions. Invitae Evidence Modeling of protein sequence and biophysical properties (such as structural, functional, and spatial information, amino acid conservation, physicochemical variation, residue mobility, and thermodynamic stability) indicates that this missense variant is not expected to disrupt CTNNA1 protein function with a negative predictive value of 80%. In summary, the available evidence is currently insufficient to determine the role of this variant in disease. Therefore, it has been classified as a Variant of Uncertain Significance.